The following is an entry in ClinVar:

NM_003244.4(TGIF1):c.376G>A (p.Val126Met)

Gene: TGIF1 (TGFB induced factor homeobox 1; plus strand). Cytogenetic location: 18p11.31.
Variant type: single nucleotide variant.
Coding change: c.376G>A on transcript NM_003244.4 (MANE Select); coding-DNA position 376, G replaced by A.
Protein change: p.Val126Met; replaces valine 126 with methionine.
Molecular consequence: missense variant.
Genome position (GRCh38, 1-based): chr18:3,457,497, G>A. VCF-style: chr18-3457497-G-A. GRCh37 (hg19) VCF-style: chr18-3457495-G-A.
Other names: c.376G>A (NM_173208.1); c.385G>A, p.Val129Met (NM_001278682.2); c.376G>A, p.Val126Met (NM_001278684.2, NM_173208.3); c.316G>A, p.Val106Met (NM_001278686.3, NM_001374396.1, NM_001374397.1 and 5 more transcripts); c.418G>A, p.Val140Met (NM_173207.4); short protein forms V106M, V129M, V140M, V126M.
Identifiers: ClinVar variation 1356112 (VCV001356112.9), dbSNP rs368355194, ClinGen allele CA8875941.
Genomic context (GRCh38, chr18:3,457,497, plus strand): 5'-AATCAGTTCACAATTTCCCGCCGTGGGGCCAAGATTTCTGAAACGAGCTCTGTGGAGTCC[G>A]TGATGGGCATCAAAAACTTCATGCCAGCTCTAGAGGAGACCCCATTTCATTCCTGTACAG-3'
Protein context (NP_003235.1, residues 116-136): KISETSSVES[Val126Met]MGIKNFMPAL

ClinVar aggregate classification (germline): Uncertain significance. Review status: criteria provided, multiple submitters, no conflicts (2 of 4 stars). 2 submissions from 2 submitters: Uncertain significance (2). Last evaluated 2025-03-03.

Conditions:
Inborn genetic diseases. Identifiers: MedGen C0950123, MeSH D030342.
Holoprosencephaly 4 (HPE4). Identifiers: Orphanet 2162, MedGen C1840528, MONDO:0007734, OMIM 142946.

Allele frequency attached by ClinVar (database versions not stated): ExAC 0.00003; gnomAD exomes 0.00003 and 0.00004; gnomAD 0.00004 and 0.00005; TOPMed 0.00006; ESP Exome Variant Server 0.00008.
gnomAD v4.1: 56 of 1,614,072 alleles (0.0035%); highest among the groups gnomAD compares: Admixed American, 0.0083%; no homozygotes.

Submissions (2):

Ambry Genetics
Classification: Uncertain significance for Inborn genetic diseases. Last evaluated: 2025-03-03. Review status: criteria provided, single submitter. Criteria: Ambry Variant Classification Scheme 2023. Collection method: clinical testing. Allele origin: germline.

Labcorp Genetics (formerly Invitae), Labcorp
Classification: Uncertain significance for Holoprosencephaly 4. Last evaluated: 2021-02-26. Review status: criteria provided, single submitter. Criteria: Invitae Variant Classification Sherloc (09022015). Collection method: clinical testing. Allele origin: germline.
Comment: This variant is present in population databases (rs368355194, ExAC 0.02%). This sequence change replaces valine with methionine at codon 126 of the TGIF1 protein (p.Val126Met). The valine residue is weakly conserved and there is a small physicochemical difference between valine and methionine. This variant has not been reported in the literature in individuals with TGIF1-related conditions. Algorithms developed to predict the effect of missense changes on protein structure and function (SIFT, PolyPhen-2, Align-GVGD) all suggest that this variant is likely to be tolerated, but these predictions have not been confirmed by published functional studies and their clinical significance is uncertain. In summary, the available evidence is currently insufficient to determine the role of this variant in disease. Therefore, it has been classified as a Variant of Uncertain Significance.